The following is an entry in ClinVar:

ClinVar aggregate classification (germline): Pathogenic/Likely pathogenic. Review status: criteria provided, multiple submitters, no conflicts (2 of 4 stars). 2 submissions from 2 submitters: Pathogenic (1); Likely pathogenic (1). Last evaluated 2023-08-16.

Conditions:
FANCA-related disorder. Also called: FANCA-related condition.
Fanconi anemia (FA). Also called: Fanconi's anemia. Identifiers: Orphanet 84, MedGen C0015625, MeSH D005199, MONDO:0019391.

Submissions (2):

Labcorp Genetics (formerly Invitae), Labcorp
Classification: Pathogenic for Fanconi anemia. Last evaluated: 2023-08-16. Review status: criteria provided, single submitter. Criteria: Invitae Variant Classification Sherloc (09022015). Collection method: clinical testing. Allele origin: germline.
Comment: For these reasons, this variant has been classified as Pathogenic. Algorithms developed to predict the effect of sequence changes on RNA splicing suggest that this variant may disrupt the consensus splice site. This variant has not been reported in the literature in individuals affected with FANCA-related conditions. This variant is not present in population databases (gnomAD no frequency). This sequence change creates a premature translational stop signal (p.Asn986Thrfs*3) in the FANCA gene. It is expected to result in an absent or disrupted protein product. Loss-of-function variants in FANCA are known to be pathogenic (PMID: 19367192).

PreventionGenetics, part of Exact Sciences
Classification: Likely pathogenic for FANCA-related condition. Last evaluated: 2023-05-03. Review status: criteria provided, single submitter. Criteria: ACMG Guidelines, 2015. Collection method: clinical testing. Allele origin: germline.
Comment: The FANCA c.2957delA variant is predicted to result in a frameshift and premature protein termination (p.Asn986Thrfs*3). To our knowledge, this variant has not been reported in the literature or in a large population database, indicating this variant is rare. Frameshift variants in FANCA are expected to be pathogenic. This variant is interpreted as likely pathogenic.

Literature cited by the submitters: PubMed 19367192 (cited by Labcorp Genetics (formerly Invitae), Labcorp).

NM_000135.4(FANCA):c.2957del (p.Asn986fs)

Gene: FANCA (FA complementation group A; minus strand). Cytogenetic location: 16q24.3.
Variant type: Deletion.
Coding change: c.2957del on transcript NM_000135.4 (MANE Select); coding-DNA position 2957, one base deleted (A; older notation c.2957delA).
Protein change: p.Asn986fs; shifts the reading frame from asparagine 986.
Molecular consequence: frameshift variant.
Genome position (GRCh38, 1-based): chr16:89,758,601, T deleted on the plus strand (A on the coding strand, the reverse complement: FANCA is on the minus strand); the first of 2 consecutive T bases (chr16:89,758,601-89,758,602); deleting either gives the same sequence. VCF-style (leftmost placement, unchanged base first): chr16-89758600-GT-G. GRCh37 (hg19) VCF-style: chr16-89825008-GT-G.
Other names: c.2957del, p.Asn986fs (NM_001286167.3); c.2957delA (NM_000135.2); short protein forms N986fs.
Identifiers: ClinVar variation 2633213 (VCV002633213.4), dbSNP rs2544156632, ClinGen allele CA2695201169.